The following is an entry in ClinVar:

NM_004364.5(CEBPA):c.773C>G (p.Ala258Gly)

Gene: CEBPA (CCAAT enhancer binding protein alpha; minus strand). Cytogenetic location: 19q13.11.
Variant type: single nucleotide variant.
Coding change: c.773C>G on transcript NM_004364.5 (MANE Select); coding-DNA position 773, C replaced by G.
Protein change: p.Ala258Gly; replaces alanine 258 with glycine.
Molecular consequence: missense variant.
Genome position (GRCh38, 1-based): chr19:33,301,642, G>C on the plus strand (C>G on the coding strand, the complement: CEBPA is on the minus strand). VCF-style: chr19-33301642-G-C. GRCh37 (hg19) VCF-style: chr19-33792548-G-C.
Other names: c.416C>G, p.Ala139Gly (NM_001285829.2); c.878C>G, p.Ala293Gly (NM_001287424.2); c.731C>G, p.Ala244Gly (NM_001287435.2); short protein forms A244G, A139G, A258G, A293G.
Identifiers: ClinVar variation 1424623 (VCV001424623.9), dbSNP rs1340981881, ClinGen allele CA405274243.

ClinVar aggregate classification (germline): Uncertain significance. Review status: criteria provided, multiple submitters, no conflicts (2 of 4 stars). 3 submissions from 3 submitters: Uncertain significance (3). Last evaluated 2024-12-29.

Conditions:
Acute myeloid leukemia (AML). Also called: Leukemia, acute myeloid, somatic; Leukemia, acute myelogenous, somatic; Acute myeloid leukemia, adult; AML adult; Acute non-lymphocytic leukemia; Acute granulocytic leukemia. Identifiers: Orphanet 519, MedGen C0023467, MeSH D015470, MONDO:0018874, OMIM 601626, HP:0004808. Disease mechanism: Constitutively activated FLT3.
Inborn genetic diseases. Identifiers: MedGen C0950123, MeSH D030342.

Allele frequency attached by ClinVar (database versions not stated): gnomAD 0.00001.

Submissions (3):

Ambry Genetics
Classification: Uncertain significance for Inborn genetic diseases. Last evaluated: 2024-12-29. Review status: criteria provided, single submitter. Criteria: Ambry Variant Classification Scheme 2023. Collection method: clinical testing. Allele origin: germline.
Comment: The p.A258G variant (also known as c.773C>G), located in coding exon 1 of the CEBPA gene, results from a C to G substitution at nucleotide position 773. The alanine at codon 258 is replaced by glycine, an amino acid with similar properties. This amino acid position is conserved. In addition, this alteration is predicted to be tolerated by in silico analysis. Based on the available evidence, the clinical significance of this variant remains unclear.

Labcorp Genetics (formerly Invitae), Labcorp
Classification: Uncertain significance for Acute myeloid leukemia. Last evaluated: 2024-03-28. Review status: criteria provided, single submitter. Criteria: Invitae Variant Classification Sherloc (09022015). Collection method: clinical testing. Allele origin: germline.
Comment: This sequence change replaces alanine, which is neutral and non-polar, with glycine, which is neutral and non-polar, at codon 258 of the CEBPA protein (p.Ala258Gly). This variant is present in population databases (no rsID available, gnomAD 0.007%). This variant has not been reported in the literature in individuals affected with CEBPA-related conditions. ClinVar contains an entry for this variant (Variation ID: 1424623). Algorithms developed to predict the effect of missense changes on protein structure and function output the following: SIFT: "Not Available"; PolyPhen-2: "Benign"; Align-GVGD: "Not Available". The glycine amino acid residue is found in multiple mammalian species, which suggests that this missense change does not adversely affect protein function. In summary, the available evidence is currently insufficient to determine the role of this variant in disease. Therefore, it has been classified as a Variant of Uncertain Significance.

GeneDx
Classification: Uncertain significance. Last evaluated: 2022-03-10. Review status: criteria provided, single submitter. Criteria: GeneDx Variant Classification Process June 2021. Collection method: clinical testing. Allele origin: germline. Affected: yes.
Comment: Not observed at significant frequency in large population cohorts (gnomAD); In silico analysis supports that this missense variant does not alter protein structure/function; Has not been previously published as pathogenic or benign to our knowledge